The following is an entry in ClinVar:

ClinVar aggregate classification (germline): Uncertain significance (1 of 4 stars; one submission).

Submission:

GeneDx
Classification: Uncertain significance. Last evaluated: 2024-12-02. Review status: criteria provided, single submitter. Criteria: GeneDx Variant Classification Process June 2021. Collection method: clinical testing. Allele origin: germline. Affected: yes.
Comment: Not observed at significant frequency in large population cohorts (gnomAD); In silico analysis supports that this missense variant has a deleterious effect on protein structure/function; Has not been previously published as pathogenic or benign to our knowledge; Reported using an alternate transcript of the gene

NM_080425.4(GNAS):c.1952A>G (p.Glu651Gly)

Gene: GNAS (GNAS complex locus; plus strand). Cytogenetic location: 20q13.32.
Variant type: single nucleotide variant.
Coding change: c.1952A>G on transcript NM_080425.4 (MANE Plus Clinical); coding-DNA position 1952, A replaced by G.
Protein change: p.Glu651Gly; replaces glutamic acid 651 with glycine.
Molecular consequence: missense variant. On other transcripts: intron variant (3).
Genome position (GRCh38, 1-based): chr20:58,855,217, A>G. VCF-style: chr20-58855217-A-G. GRCh37 (hg19) VCF-style: chr20-57430272-A-G.
Other names: c.1765A>G, p.Lys589Glu (NM_001077490.3, NM_001309883.1); c.1952A>G, p.Glu651Gly (NM_001410913.1); c.*42+14331A>G (NM_016592.5); c.43+14331A>G (NM_001410912.1); c.-39+13342A>G (NM_001309861.2); short protein forms E651G, K589E.
Identifiers: ClinVar variation 3900947 (VCV003900947.1).